The following is an entry in ClinVar:

NM_001365951.3(KIF1B):c.5041G>A (p.Ala1681Thr)

Gene: KIF1B (kinesin family member 1B; plus strand). Cytogenetic location: 1p36.22.
Variant type: single nucleotide variant.
Coding change: c.5041G>A on transcript NM_001365951.3 (MANE Select); coding-DNA position 5041, G replaced by A.
Protein change: p.Ala1681Thr; replaces alanine 1681 with threonine.
Molecular consequence: missense variant.
Genome position (GRCh38, 1-based): chr1:10,374,410, G>A. VCF-style: chr1-10374410-G-A. GRCh37 (hg19) VCF-style: chr1-10434468-G-A.
Other names: c.5041G>A, p.Ala1681Thr (NM_001365952.1); c.4903G>A, p.Ala1635Thr (NM_015074.3); short protein forms A1681T, A1635T.
Identifiers: ClinVar variation 2625725 (VCV002625725.2), dbSNP rs2521978113, ClinGen allele CA338329460.

ClinVar aggregate classification (germline): Uncertain significance (1 of 4 stars; one submission).

Submission:

Ambry Genetics
Classification: Uncertain significance. Last evaluated: 2023-08-05. Review status: criteria provided, single submitter. Criteria: Ambry Variant Classification Scheme 2023. Collection method: clinical testing. Allele origin: germline.
Comment: The p.A1635T variant (also known as c.4903G>A), located in coding exon 43 of the KIF1B gene, results from a G to A substitution at nucleotide position 4903. The alanine at codon 1635 is replaced by threonine, an amino acid with similar properties. This amino acid position is conserved. In addition, the in silico prediction for this alteration is inconclusive. Since supporting evidence is limited at this time, the clinical significance of this alteration remains unclear.